The following is an entry in ClinVar:

ClinVar aggregate classification (germline): Likely benign. Review status: criteria provided, multiple submitters, no conflicts (2 of 4 stars). 5 submissions from 5 submitters: Likely benign (4). 1 of the submissions does not count toward it. Last evaluated 2026-02-03.

Conditions:
TRIM8-related disorder. Also called: TRIM8-related condition.
Inborn genetic diseases. Identifiers: MedGen C0950123, MeSH D030342.

Allele frequency attached by ClinVar (database versions not stated): 1000 Genomes Project 30x 0.00016; 1000 Genomes Project 0.00020; ExAC 0.00045; gnomAD exomes 0.00058 and 0.00075; gnomAD 0.00060 and 0.00061; ESP Exome Variant Server 0.00077.

Submissions (5):

Labcorp Genetics (formerly Invitae), Labcorp
Classification: Likely benign. Last evaluated: 2026-02-03. Review status: criteria provided, single submitter. Criteria: Invitae Variant Classification Sherloc (09022015). Collection method: clinical testing. Allele origin: germline.

CeGaT Center for Human Genetics Tuebingen
Classification: Likely benign. Last evaluated: 2025-02-01. Review status: criteria provided, single submitter. Criteria: CeGaT Center For Human Genetics Tuebingen Variant Classification Criteria Version 2. Collection method: clinical testing. Allele origin: germline. Affected: yes. Observed: 1 variant allele.
Comment: TRIM8: PP2, BS1

Blueprint Genetics
Classification: Likely benign. Last evaluated: 2024-08-14. Review status: criteria provided, single submitter. Criteria: ACMG Guidelines, 2015. Collection method: clinical testing. Allele origin: germline.

Ambry Genetics
Classification: Likely benign for Inborn genetic diseases. Last evaluated: 2021-08-10. Review status: criteria provided, single submitter. Criteria: Ambry Variant Classification Scheme 2023. Collection method: clinical testing. Allele origin: germline.

PreventionGenetics, part of Exact Sciences
Classification: Likely benign for TRIM8-related condition. Last evaluated: 2022-07-07. Review status: no assertion criteria provided. Collection method: clinical testing. Allele origin: germline. Not counted in ClinVar's aggregate classification.
Comment: This variant is classified as likely benign based on ACMG/AMP sequence variant interpretation guidelines (Richards et al. 2015 PMID: 25741868, with internal and published modifications).

NM_030912.3(TRIM8):c.42C>G (p.Ile14Met)

Gene: TRIM8 (tripartite motif containing 8; plus strand). Cytogenetic location: 10q24.32.
Variant type: single nucleotide variant.
Coding change: c.42C>G on transcript NM_030912.3 (MANE Select); coding-DNA position 42, C replaced by G.
Protein change: p.Ile14Met; replaces isoleucine 14 with methionine.
Molecular consequence: missense variant. On other transcripts: non-coding transcript variant (1).
Genome position (GRCh38, 1-based): chr10:102,644,659, C>G. VCF-style: chr10-102644659-C-G. GRCh37 (hg19) VCF-style: chr10-104404416-C-G.
Other names: c.42C>G (NM_030912.2); c.42C>G, p.Ile14Met (NM_001345950.1); short protein forms I14M.
Identifiers: ClinVar variation 1596826 (VCV001596826.25), dbSNP rs140859541, ClinGen allele CA5668034.
Genomic context (GRCh38, chr10:102,644,659, plus strand): 5'-CCCCCTGCCCGCGGCCGCCATGGCGGAGAATTGGAAGAACTGCTTCGAGGAGGAGCTCAT[C>G]TGCCCTATCTGCCTGCACGTTTTCGTGGAGCCAGTGCAGCTGCCGTGCAAACACAACTTC-3'
Protein context (NP_112174.2, residues 4-24): NWKNCFEEEL[Ile14Met]CPICLHVFVE